The following is an entry in ClinVar:

ClinVar aggregate classification (germline): Likely pathogenic (1 of 4 stars; one submission).

Allele frequency attached by ClinVar (database versions not stated): gnomAD exomes below 0.00001.
gnomAD v4.1: 1 of 1,208,982 alleles (0.000083%); highest among the groups gnomAD compares: Non-Finnish European, 0.00011%; no homozygotes.

Submission:

GeneDx
Classification: Likely pathogenic. Last evaluated: 2017-03-13. Review status: criteria provided, single submitter. Criteria: GeneDx Variant Classification (06012015). Collection method: clinical testing. Allele origin: germline. Affected: yes.
Comment: The G804S variant in the CASK gene has not been reported previously as a pathogenic variant, nor as a benign variant, to our knowledge. The G804S variant is not observed in large population cohorts (Lek et al., 2016; 1000 Genomes Consortium et al., 2015; Exome Variant Server). The G804S variant is a non-conservative amino acid substitution, which is likely to impact secondary protein structure as these residues differ in polarity, charge, size and/or other properties. This substitution occurs at a position that is conserved across species, and in silico analysis predicts this variant is probably damaging to the protein structure/function. Therefore, we interpret G804S as a likely pathogenic variant.

NM_001367721.1(CASK):c.2425G>A (p.Gly809Ser)

Gene: CASK (calcium/calmodulin dependent serine protein kinase; minus strand). Cytogenetic location: Xp11.4.
Variant type: single nucleotide variant.
Coding change: c.2425G>A on transcript NM_001367721.1 (MANE Select); coding-DNA position 2425, G replaced by A.
Protein change: p.Gly809Ser; replaces glycine 809 with serine.
Molecular consequence: missense variant.
Genome position (GRCh38, 1-based): chrX:41,531,102, C>T on the plus strand (G>A on the coding strand, the complement: CASK is on the minus strand). VCF-style: chrX-41531102-C-T. GRCh37 (hg19) VCF-style: chrX-41390355-C-T.
Other names: c.2341G>A, p.Gly781Ser (NM_001126054.3); c.2338G>A, p.Gly780Ser (NM_001126055.3); c.2407G>A, p.Gly803Ser (NM_001410745.1); c.2410G>A, p.Gly804Ser (NM_003688.4); short protein forms G804S, G780S, G809S, G781S, G803S.
Identifiers: ClinVar variation 424258 (VCV000424258.2), dbSNP rs1064796884, ClinGen allele CA16621395.